The following is an entry in ClinVar:

NM_000322.5(PRPH2):c.415_417del (p.Lys139del)

Gene: PRPH2 (peripherin 2; minus strand). Cytogenetic location: 6p21.1.
Variant type: Deletion.
Coding change: c.415_417del on transcript NM_000322.5 (MANE Select); coding-DNA positions 415 to 417, 3 bases deleted (AAG; older notation c.415_417delAAG).
Protein change: p.Lys139del; deletes lysine 139.
Molecular consequence: inframe deletion.
Genome position (GRCh38, 1-based): chr6:42,721,918-42,721,920, CTT deleted on the plus strand (AAG on the coding strand, the reverse complement: PRPH2 is on the minus strand); deleting any 3 consecutive bases within chr6:42,721,918-42,721,921 gives the same sequence; the c. name uses the placement nearest the transcript's 3' end. VCF-style (leftmost placement, unchanged base first): chr6-42721917-ACTT-A. GRCh37 (hg19) VCF-style: chr6-42689655-ACTT-A.
Other names: short protein forms K139del.
Identifiers: ClinVar variation 1175246 (VCV001175246.1), dbSNP rs2152010954, ClinGen allele CA2499218285.

ClinVar aggregate classification (germline): Likely pathogenic (0 of 4 stars; one submission).

Submission:

Leiden Open Variation Database
Classification: Likely pathogenic. Last evaluated: 2021-04-06. Review status: no assertion criteria provided. Collection method: curation. Allele origin: germline. Affected: yes.
Comment: Curator: Global Variome, with Curator vacancy. Submitter to LOVD: Manon Peeters.